The following is an entry in ClinVar:

ClinVar aggregate classification (germline): Uncertain significance (1 of 4 stars; one submission).

Conditions:
MHC class II deficiency. Also called: Bare lymphocyte syndrome 2; BLS, TYPE II. Identifiers: Orphanet 572, MedGen C5447452, MONDO:0008855.

Submission:

Labcorp Genetics (formerly Invitae), Labcorp
Classification: Uncertain significance for MHC class II deficiency. Last evaluated: 2022-04-01. Review status: criteria provided, single submitter. Criteria: Invitae Variant Classification Sherloc (09022015). Collection method: clinical testing. Allele origin: germline.
Comment: This variant has not been reported in the literature in individuals affected with RFX5-related conditions. In summary, the available evidence is currently insufficient to determine the role of this variant in disease. Therefore, it has been classified as a Variant of Uncertain Significance. Algorithms developed to predict the effect of missense changes on protein structure and function (SIFT, PolyPhen-2, Align-GVGD) all suggest that this variant is likely to be tolerated. This variant is not present in population databases (gnomAD no frequency). This sequence change replaces glycine, which is neutral and non-polar, with aspartic acid, which is acidic and polar, at codon 509 of the RFX5 protein (p.Gly509Asp).

NM_001025603.2(RFX5):c.1526G>A (p.Gly509Asp)

Gene: RFX5 (regulatory factor X5; minus strand). Cytogenetic location: 1q21.3.
Variant type: single nucleotide variant.
Coding change: c.1526G>A on transcript NM_001025603.2 (MANE Select); coding-DNA position 1526, G replaced by A.
Protein change: p.Gly509Asp; replaces glycine 509 with aspartic acid.
Molecular consequence: missense variant.
Genome position (GRCh38, 1-based): chr1:151,342,511, C>T on the plus strand (G>A on the coding strand, the complement: RFX5 is on the minus strand). VCF-style: chr1-151342511-C-T. GRCh37 (hg19) VCF-style: chr1-151314987-C-T.
Other names: c.1526G>A, p.Gly509Asp (NM_000449.4, NM_001379412.1, NM_001379413.1 and 5 more transcripts); c.1406G>A, p.Gly469Asp (NM_001379419.1, NM_001379420.1); short protein forms G509D, G469D.
Identifiers: ClinVar variation 2105178 (VCV002105178.4), dbSNP rs2529014876, ClinGen allele CA341925556.
Genomic context (GRCh38, chr1:151,342,511, plus strand): 5'-ACTGCCCCCTTTTCAGCCTCTCCCATTGGCCCTGGCCTCTCTGCCCCTCCAGCTGAGTTG[C>T]CTTCCCCTCCTGAGCCCCATGTCTCCCATGGTAACCTTGAGGACTGGGCAGATTCCATGG-3'
Protein context (NP_001020774.1, residues 499-519): PWETWGSGGE[Gly509Asp]NSAGGAERPG